The following is an entry in ClinVar:

NM_001386298.1(CIC):c.1118C>T (p.Ala373Val)

Gene: CIC (capicua transcriptional repressor; plus strand). Cytogenetic location: 19q13.2.
Variant type: single nucleotide variant.
Coding change: c.1118C>T on transcript NM_001386298.1 (MANE Select); coding-DNA position 1118, C replaced by T.
Protein change: p.Ala373Val; replaces alanine 373 with valine.
Molecular consequence: missense variant.
Genome position (GRCh38, 1-based): chr19:42,272,901, C>T. VCF-style: chr19-42272901-C-T. GRCh37 (hg19) VCF-style: chr19-42777053-C-T.
Other names: c.1118C>T, p.Ala373Val (NM_001304815.2, NM_001379480.1, NM_001379482.1 and 6 more transcripts); short protein forms A373V.
Identifiers: ClinVar variation 4281270 (VCV004281270.7).

ClinVar aggregate classification (germline): Likely benign (1 of 4 stars; one submission).

gnomAD v4.1: 57 of 399,250 alleles (0.014%); highest among the groups gnomAD compares: African/African-American, 0.11%; no homozygotes.

Submission:

CeGaT Center for Human Genetics Tuebingen
Classification: Likely benign. Last evaluated: 2025-09-01. Review status: criteria provided, single submitter. Criteria: CeGaT Center For Human Genetics Tuebingen Variant Classification Criteria Version 2. Collection method: clinical testing. Allele origin: germline. Affected: yes. Observed: 1 variant allele.
Comment: CIC: BS1